The following is an entry in ClinVar:

ClinVar aggregate classification (germline): Pathogenic/Likely pathogenic. Review status: criteria provided, multiple submitters, no conflicts (2 of 4 stars). 4 submissions from 4 submitters: Pathogenic (2); Likely pathogenic (2). Last evaluated 2026-01-11.

Conditions:
Dubin-Johnson syndrome (DJS). Also called: HYPERBILIRUBINEMIA, DUBIN-JOHNSON TYPE; Jaundice, Chronic Idiopathic; Hyperbilirubinemia type 2. Identifiers: Orphanet 234, MedGen C0022350, MONDO:0009380, OMIM 237500.
ABCC2-related disorder. Also called: ABCC2-related condition.

Submissions (4):

3billion
Classification: Pathogenic for Dubin-Johnson syndrome. Last evaluated: 2026-01-11. Review status: criteria provided, single submitter. Criteria: ACMG Guidelines, 2015. Collection method: clinical testing. Allele origin: germline. Affected: yes.
Comment: The variant is observed at an extremely low frequency in the gnomAD v4.1.0 dataset (total allele frequency: <0.001%). Predicted Consequence/Location: Frameshift: predicted to result in a loss or disruption of normal protein function through nonsense-mediated decay (NMD) or protein truncation. Multiple pathogenic variants are reported downstream of the variant. The variant has been reported at least twice as pathogenic without evidence for the classification (ClinVar ID: VCV002635051 /3billion dataset). Therefore, this variant is classified as Pathogenic according to the recommendation of ACMG/AMP guideline.

Labcorp Genetics (formerly Invitae), Labcorp
Classification: Pathogenic. Last evaluated: 2024-09-03. Review status: criteria provided, single submitter. Criteria: Invitae Variant Classification Sherloc (09022015). Collection method: clinical testing. Allele origin: germline.
Comment: This sequence change creates a premature translational stop signal (p.Asn718Thrfs*42) in the ABCC2 gene. It is expected to result in an absent or disrupted protein product. Loss-of-function variants in ABCC2 are known to be pathogenic (PMID: 9185779, 16549534, 16952291). This variant is present in population databases (rs777438560, gnomAD 0.003%). This variant has not been reported in the literature in individuals affected with ABCC2-related conditions. ClinVar contains an entry for this variant (Variation ID: 2635051). For these reasons, this variant has been classified as Pathogenic.

Fulgent Genetics
Classification: Likely pathogenic for Dubin-Johnson syndrome. Last evaluated: 2024-06-05. Review status: criteria provided, single submitter. Criteria: ACMG Guidelines, 2015. Collection method: clinical testing. Allele origin: germline.

PreventionGenetics, part of Exact Sciences
Classification: Likely pathogenic for ABCC2-related condition. Last evaluated: 2023-04-24. Review status: criteria provided, single submitter. Criteria: ACMG Guidelines, 2015. Collection method: clinical testing. Allele origin: germline.
Comment: The ABCC2 c.2153delA variant is predicted to result in a frameshift and premature protein termination (p.Asn718Thrfs*42). To our knowledge, this variant has not been reported in the literature. This variant is reported in 0.0033% of alleles in individuals of South Asian descent in gnomAD. Frameshift variants in ABCC2 are expected to be pathogenic. This variant is interpreted as likely pathogenic.

Literature cited by the submitters: PubMed 9185779 (cited by Labcorp Genetics (formerly Invitae), Labcorp); PubMed 16549534 (cited by Labcorp Genetics (formerly Invitae), Labcorp); PubMed 16952291 (cited by Labcorp Genetics (formerly Invitae), Labcorp).

NM_000392.5(ABCC2):c.2153del (p.Asn718fs)

Gene: ABCC2 (ATP binding cassette subfamily C member 2; plus strand). Cytogenetic location: 10q24.2.
Variant type: Deletion.
Coding change: c.2153del on transcript NM_000392.5 (MANE Select); coding-DNA position 2153, one base deleted (A; older notation c.2153delA).
Protein change: p.Asn718fs; shifts the reading frame from asparagine 718.
Molecular consequence: frameshift variant.
Genome position (GRCh38, 1-based): chr10:99,817,366, A deleted; the last of 2 consecutive A bases (chr10:99,817,365-99,817,366); deleting either gives the same sequence. VCF-style (leftmost placement, unchanged base first): chr10-99817364-CA-C. GRCh37 (hg19) VCF-style: chr10-101577121-CA-C.
Other names: short protein forms N718fs.
Identifiers: ClinVar variation 2635051 (VCV002635051.6), dbSNP rs777438560, ClinGen allele CA212847284.